The following is an entry in ClinVar:

NM_001378454.1(ALMS1):c.11836A>G (p.Arg3946Gly)

Gene: ALMS1 (ALMS1 centrosome and basal body associated protein; plus strand). Cytogenetic location: 2p13.1.
Variant type: single nucleotide variant.
Coding change: c.11836A>G on transcript NM_001378454.1 (MANE Select); coding-DNA position 11836, A replaced by G.
Protein change: p.Arg3946Gly; replaces arginine 3946 with glycine.
Molecular consequence: missense variant.
Genome position (GRCh38, 1-based): chr2:73,600,845, A>G. VCF-style: chr2-73600845-A-G. GRCh37 (hg19) VCF-style: chr2-73827972-A-G.
Other names: c.11839A>G, p.Arg3947Gly (NM_015120.4); short protein forms R3946G, R3947G.
Identifiers: ClinVar variation 3603038 (VCV003603038.1).

ClinVar aggregate classification (germline): Uncertain significance (1 of 4 stars; one submission).

gnomAD v4.1: 4 of 1,614,092 alleles (0.00025%); highest among the groups gnomAD compares: Non-Finnish European, 0.00034%; no homozygotes.

Submission:

GeneDx
Classification: Uncertain significance. Last evaluated: 2024-08-05. Review status: criteria provided, single submitter. Criteria: GeneDx Variant Classification Process June 2021. Collection method: clinical testing. Allele origin: germline. Affected: yes.
Comment: Not observed at significant frequency in large population cohorts (gnomAD); In silico analysis indicates that this missense variant does not alter protein structure/function; Has not been previously published as pathogenic or benign to our knowledge